The following is an entry in ClinVar:

NM_001319074.4(RAX2):c.83G>A (p.Arg28Gln)

Gene: RAX2 (retina and anterior neural fold homeobox 2; minus strand). Cytogenetic location: 19p13.3.
Variant type: single nucleotide variant.
Coding change: c.83G>A on transcript NM_001319074.4 (MANE Select); coding-DNA position 83, G replaced by A.
Protein change: p.Arg28Gln; replaces arginine 28 with glutamine.
Molecular consequence: missense variant.
Genome position (GRCh38, 1-based): chr19:3,771,660, C>T on the plus strand (G>A on the coding strand, the complement: RAX2 is on the minus strand). VCF-style: chr19-3771660-C-T. GRCh37 (hg19) VCF-style: chr19-3771658-C-T.
Other names: c.83G>A, p.Arg28Gln (NM_032753.4); short protein forms R28Q.
Identifiers: ClinVar variation 328970 (VCV000328970.14), dbSNP rs199546013, ClinGen allele CA9085123.

ClinVar aggregate classification (germline): Uncertain significance. Review status: criteria provided, multiple submitters, no conflicts (2 of 4 stars). 5 submissions from 4 submitters: Uncertain significance (5). Last evaluated 2025-08-25.

Conditions:
Age related macular degeneration 6. Identifiers: MedGen C3151060, MONDO:0013406, OMIM 613757.
Cone-rod dystrophy 11 (CORD11). Identifiers: Orphanet 1872, MedGen C1835865, MONDO:0012483, OMIM 610381.

Allele frequency attached by ClinVar (database versions not stated): TOPMed 0.00005; gnomAD 0.00006; gnomAD exomes 0.00006 and 0.00023; ExAC 0.00008; ESP Exome Variant Server 0.00008.
gnomAD v4.1: 339 of 1,613,334 alleles (0.021%); highest among the groups gnomAD compares: Non-Finnish European, 0.028%; no homozygotes.

Submissions (5):

Labcorp Genetics (formerly Invitae), Labcorp
Classification: Uncertain significance. Last evaluated: 2025-08-25. Review status: criteria provided, single submitter. Criteria: Invitae Variant Classification Sherloc (09022015). Collection method: clinical testing. Allele origin: germline.
Comment: This sequence change replaces arginine, which is basic and polar, with glutamine, which is neutral and polar, at codon 28 of the RAX2 protein (p.Arg28Gln). This variant is present in population databases (rs199546013, gnomAD 0.01%). This variant has not been reported in the literature in individuals affected with RAX2-related conditions. ClinVar contains an entry for this variant (Variation ID: 328970). An algorithm developed to predict the effect of missense changes on protein structure and function (PolyPhen-2) suggests that this variant is likely to be disruptive. In summary, the available evidence is currently insufficient to determine the role of this variant in disease. Therefore, it has been classified as a Variant of Uncertain Significance.

Blueprint Genetics
Classification: Uncertain significance. Last evaluated: 2024-10-30. Review status: criteria provided, single submitter. Criteria: ACMG Guidelines, 2015. Collection method: clinical testing. Allele origin: germline.

Ambry Genetics
Classification: Uncertain significance. Last evaluated: 2021-08-13. Review status: criteria provided, single submitter. Criteria: Ambry Variant Classification Scheme 2023. Collection method: clinical testing. Allele origin: germline.

Illumina Laboratory Services, Illumina
Classification: Uncertain significance for Age related macular degeneration 6. Last evaluated: 2018-01-12. Review status: criteria provided, single submitter. Criteria: ICSL Variant Classification Criteria 13 December 2019. Collection method: clinical testing. Allele origin: germline.

Illumina Laboratory Services, Illumina
Classification: Uncertain significance for Cone-rod dystrophy 11. Last evaluated: 2018-01-12. Review status: criteria provided, single submitter. Criteria: ICSL Variant Classification Criteria 13 December 2019. Collection method: clinical testing. Allele origin: germline.